The following is an entry in ClinVar:

ClinVar aggregate classification (germline): Likely benign (0 of 4 stars; one submission).

Conditions:
MAF-related disorder. Also called: MAF-related condition.

gnomAD v4.1: 8 of 1,178,990 alleles (0.00068%); highest among the groups gnomAD compares: Middle Eastern, 0.1%; no homozygotes.

Submission:

PreventionGenetics, part of Exact Sciences
Classification: Likely benign for MAF-related condition. Last evaluated: 2020-06-08. Review status: no assertion criteria provided. Collection method: clinical testing. Allele origin: germline.
Comment: This variant is classified as likely benign based on ACMG/AMP sequence variant interpretation guidelines (Richards et al. 2015 PMID: 25741868, with internal and published modifications).

NM_005360.5(MAF):c.726G>A (p.Ala242=)

Gene: MAF (MAF bZIP transcription factor; minus strand). Cytogenetic location: 16q23.2.
Variant type: single nucleotide variant.
Coding change: c.726G>A on transcript NM_005360.5 (MANE Select); coding-DNA position 726, G replaced by A.
Protein change: p.Ala242=; no amino-acid change (alanine 242 retained).
Molecular consequence: synonymous variant.
Genome position (GRCh38, 1-based): chr16:79,599,177, C>T on the plus strand (G>A on the coding strand, the complement: MAF is on the minus strand). VCF-style: chr16-79599177-C-T. GRCh37 (hg19) VCF-style: chr16-79633074-C-T.
Other names: c.726G>A, p.Ala242= (NM_001031804.3).
Identifiers: ClinVar variation 3041778 (VCV003041778.2), dbSNP rs1348434035, ClinGen allele CA496508983.